The following is an entry in ClinVar:

NM_000921.5(PDE3A):c.3320C>A (p.Thr1107Asn)

Gene: PDE3A (phosphodiesterase 3A; plus strand). Cytogenetic location: 12p12.2.
Variant type: single nucleotide variant.
Coding change: c.3320C>A on transcript NM_000921.5 (MANE Select); coding-DNA position 3320, C replaced by A.
Protein change: p.Thr1107Asn; replaces threonine 1107 with asparagine.
Molecular consequence: missense variant. On other transcripts: 3 prime UTR variant (1).
Genome position (GRCh38, 1-based): chr12:20,680,165, C>A. VCF-style: chr12-20680165-C-A. GRCh37 (hg19) VCF-style: chr12-20833099-C-A.
Other names: c.2354C>A, p.Thr785Asn (NM_001244683.2); c.3014C>A, p.Thr1005Asn (NM_001378407.1); c.*48C>A (NM_001378408.1); short protein forms T1005N, T1107N, T785N.
Identifiers: ClinVar variation 3350142 (VCV003350142.1).

ClinVar aggregate classification (germline): Uncertain significance (0 of 4 stars; one submission).

Conditions:
PDE3A-related disorder. Also called: PDE3A-related condition.

Submission:

PreventionGenetics, part of Exact Sciences
Classification: Uncertain significance for PDE3A-related condition. Last evaluated: 2024-03-28. Review status: no assertion criteria provided. Collection method: clinical testing. Allele origin: germline.
Comment: The PDE3A c.3320C>A variant is predicted to result in the amino acid substitution p.Thr1107Asn. To our knowledge, this variant has not been reported in the literature or in a large population database, indicating this variant is rare. At this time, the clinical significance of this variant is uncertain due to the absence of conclusive functional and genetic evidence.